The following is an entry in ClinVar:

NM_001378120.1(MBD5):c.1655A>G (p.Lys552Arg)

Gene: MBD5 (methyl-CpG binding domain protein 5; plus strand). Cytogenetic location: 2q23.1.
Variant type: single nucleotide variant.
Coding change: c.1655A>G on transcript NM_001378120.1 (MANE Select); coding-DNA position 1655, A replaced by G.
Protein change: p.Lys552Arg; replaces lysine 552 with arginine.
Molecular consequence: missense variant.
Genome position (GRCh38, 1-based): chr2:148,469,598, A>G. VCF-style: chr2-148469598-A-G. GRCh37 (hg19) VCF-style: chr2-149227167-A-G.
Other names: c.1655A>G (NM_018328.4); c.1655A>G, p.Lys552Arg (NM_018328.5); short protein forms K552R.
Identifiers: ClinVar variation 3234758 (VCV003234758.21), dbSNP rs921434460, ClinGen allele CA57578723.

ClinVar aggregate classification (germline): Conflicting classifications of pathogenicity. Review status: criteria provided, conflicting classifications (1 of 4 stars). 2 submissions from 2 submitters: Uncertain significance (1); Likely benign (1). Last evaluated 2024-12-06.

Conditions:
Inborn genetic diseases. Identifiers: MedGen C0950123, MeSH D030342.

Allele frequency attached by ClinVar (database versions not stated): gnomAD exomes below 0.00001.

Submissions (2):

Ambry Genetics
Classification: Likely benign for Inborn genetic diseases. Last evaluated: 2024-12-06. Review status: criteria provided, single submitter. Criteria: Ambry Variant Classification Scheme 2023. Collection method: clinical testing. Allele origin: germline.

CeGaT Center for Human Genetics Tuebingen
Classification: Uncertain significance. Last evaluated: 2024-04-01. Review status: criteria provided, single submitter. Criteria: CeGaT Center For Human Genetics Tuebingen Variant Classification Criteria Version 2. Collection method: clinical testing. Allele origin: germline. Affected: yes. Observed: 1 variant allele.
Comment: MBD5: PM2